The following is an entry in ClinVar:

ClinVar aggregate classification (germline): Conflicting classifications of pathogenicity. Review status: criteria provided, conflicting classifications (1 of 4 stars). 6 submissions from 6 submitters: Uncertain significance (4); Likely benign (2). Last evaluated 2025-09-04.

Conditions:
Arrhythmogenic cardiomyopathy with wooly hair and keratoderma. Also called: Arrhythmogenic cardiomyopathy with woolly hair and keratoderma; Carvajal syndrome; Dilated cardiomyopathy with woolly hair and keratoderma; PALMOPLANTAR KERATODERMA WITH LEFT VENTRICULAR CARDIOMYOPATHY AND WOOLLY HAIR. Identifiers: Orphanet 65282, MedGen C1854063, MONDO:0011581, OMIM 605676.
Lethal acantholytic epidermolysis bullosa (EBLA). Identifiers: Orphanet 158687, MedGen C1864826, MONDO:0012323, OMIM 609638.
Woolly hair-skin fragility syndrome (WHSF). Identifiers: Orphanet 293165, MedGen C1843292, MONDO:0957307, OMIM 620415.
Arrhythmogenic right ventricular dysplasia 8 (ARVD8). Also called: Arrhythmogenic Right Ventricular Dysplasia/Cardiomyopathy 8; ARRHYTHMOGENIC RIGHT VENTRICULAR DYSPLASIA, FAMILIAL, 8; ARRHYTHMOGENIC RIGHT VENTRICULAR CARDIOMYOPATHY 8. Identifiers: MedGen C1843896, MONDO:0011831, OMIM 607450.
Cardiomyopathy, dilated, with wooly hair, keratoderma, and tooth agenesis. Also called: Erythrokeratodermia-cardiomyopathy syndrome; Cardiomyopathy, dilated, with woolly hair, keratoderma, and tooth agenesis. Identifiers: Orphanet 476096, Orphanet 65282, MedGen C4014393, MONDO:0014355, OMIM 615821.
Keratosis palmoplantaris striata 2. Also called: KERATODERMA, PALMOPLANTAR, STRIATE FORM II; STRIATE PALMOPLANTAR KERATODERMA II; Keratosis palmoplantaris striata II. Identifiers: MedGen C1852127, MONDO:0013034, OMIM 612908.
DSP-related disorder. Also called: DSP-related disorders; DSP-related condition.
Cardiomyopathy (CMYO). Also called: Cardiomyopathies. Identifiers: Orphanet 167848, MedGen C0878544, MONDO:0004994, HP:0001638. Inheritance: Various modes of inheritance.
Cardiovascular phenotype. Identifiers: MedGen CN230736.

Allele frequency attached by ClinVar (database versions not stated): gnomAD 0.00001; gnomAD exomes 0.00002 and 0.00003; TOPMed 0.00002; ExAC 0.00004.
gnomAD v4.1: 12 of 1,613,996 alleles (0.00074%); highest among the groups gnomAD compares: Admixed American, 0.02%; no homozygotes.

Submissions (6):

Color Diagnostics, LLC DBA Color Health
Classification: Likely benign for Cardiomyopathy. Last evaluated: 2025-09-04. Review status: criteria provided, single submitter. Criteria: ACMG Guidelines, 2015. Collection method: clinical testing. Allele origin: germline.

Labcorp Genetics (formerly Invitae), Labcorp
Classification: Likely benign for Arrhythmogenic cardiomyopathy with wooly hair and keratoderma; Arrhythmogenic right ventricular dysplasia 8. Last evaluated: 2025-06-29. Review status: criteria provided, single submitter. Criteria: Invitae Variant Classification Sherloc (09022015). Collection method: clinical testing. Allele origin: germline.

PreventionGenetics, part of Exact Sciences
Classification: Uncertain significance for DSP-related condition. Last evaluated: 2025-03-23. Review status: criteria provided, single submitter. Criteria: ACMG Guidelines, 2015. Collection method: clinical testing. Allele origin: germline.
Comment: The DSP c.2959T>A variant is predicted to result in the amino acid substitution p.Ser987Thr. To our knowledge, this variant has not been reported in the literature. This variant is reported in 0.020% of alleles in individuals of Latino descent in gnomAD. An alternate nucleotide substitution (c.2959T>C, p.Ser987Pro) has been reported in individuals with arrhythmogenic right ventricular cardiomyopathy (Ye et al. 2019. PubMed ID: 31402444). At this time, the clinical significance of this variant is uncertain due to the absence of conclusive functional and genetic evidence.

All of Us Research Program, National Institutes of Health
Classification: Uncertain significance for Arrhythmogenic cardiomyopathy with wooly hair and keratoderma. Last evaluated: 2023-12-01. Review status: criteria provided, single submitter. Criteria: ACMG Guidelines, 2015. Collection method: clinical testing. Allele origin: germline. Inheritance: Autosomal dominant inheritance. Observed: 3 variant alleles, 3 heterozygotes.
Comment: This missense variant replaces serine with threonine at codon 987 of the DSP protein. Computational prediction suggests that this variant may have deleterious impact on protein structure and function (internally defined REVEL score threshold >= 0.7, PMID: 27666373). To our knowledge, functional studies have not been reported for this variant. This variant has not been reported in individuals affected with DSP-related disorders in the literature. This variant has been identified in 7/251428 chromosomes in the general population by the Genome Aggregation Database (gnomAD). The available evidence is insufficient to determine the role of this variant in disease conclusively. Therefore, this variant is classified as a Variant of Uncertain Significance.

This study involves interpretation of variants in research participants for the purpose of population health screening. Participant phenotype was not available at the time of variant classification. Additional details can be found in publication PMID: 35346344, PMCID: PMC8962531

Fulgent Genetics
Classification: Uncertain significance for Arrhythmogenic cardiomyopathy with wooly hair and keratoderma; Arrhythmogenic right ventricular dysplasia 8; Lethal acantholytic epidermolysis bullosa; Keratosis palmoplantaris striata 2; Cardiomyopathy, dilated, with wooly hair, keratoderma, and tooth agenesis. Last evaluated: 2021-09-09. Review status: criteria provided, single submitter. Criteria: ACMG Guidelines, 2015. Collection method: clinical testing. Allele origin: unknown.

Ambry Genetics
Classification: Uncertain significance for Cardiovascular phenotype. Last evaluated: 2021-08-23. Review status: criteria provided, single submitter. Criteria: Ambry Variant Classification Scheme 2023. Collection method: clinical testing. Allele origin: germline.
Comment: The p.S987T variant (also known as c.2959T>A), located in coding exon 21 of the DSP gene, results from a T to A substitution at nucleotide position 2959. The serine at codon 987 is replaced by threonine, an amino acid with similar properties. This amino acid position is highly conserved in available vertebrate species. In addition, the in silico prediction for this alteration is inconclusive. Since supporting evidence is limited at this time, the clinical significance of this alteration remains unclear.

NM_004415.4(DSP):c.2959T>A (p.Ser987Thr)

Gene: DSP (desmoplakin; plus strand). Cytogenetic location: 6p24.3.
Variant type: single nucleotide variant.
Coding change: c.2959T>A on transcript NM_004415.4 (MANE Select); coding-DNA position 2959, T replaced by A.
Protein change: p.Ser987Thr; replaces serine 987 with threonine.
Molecular consequence: missense variant.
Genome position (GRCh38, 1-based): chr6:7,577,860, T>A. VCF-style: chr6-7577860-T-A. GRCh37 (hg19) VCF-style: chr6-7578093-T-A.
Other names: c.2959T>A (NM_004415.3); c.2959T>A, p.Ser987Thr (NM_001008844.3, NM_001319034.2); short protein forms S987T.
Identifiers: ClinVar variation 1041857 (VCV001041857.15), dbSNP rs397516929, ClinGen allele CA036207.